The following is an entry in ClinVar:

NM_032608.7(MYO18B):c.2701A>G (p.Lys901Glu)

Gene: MYO18B (myosin XVIIIB; plus strand). Cytogenetic location: 22q12.1.
Variant type: single nucleotide variant.
Coding change: c.2701A>G on transcript NM_032608.7 (MANE Select); coding-DNA position 2701, A replaced by G.
Protein change: p.Lys901Glu; replaces lysine 901 with glutamic acid.
Molecular consequence: missense variant.
Genome position (GRCh38, 1-based): chr22:25,826,414, A>G. VCF-style: chr22-25826414-A-G. GRCh37 (hg19) VCF-style: chr22-26222381-A-G.
Other names: c.2701A>G, p.Lys901Glu (NM_001318245.2); c.2701A>G (NM_032608.6); short protein forms K901E.
Identifiers: ClinVar variation 1524050 (VCV001524050.5), dbSNP rs1364892717, ClinGen allele CA410999562.
Genomic context (GRCh38, chr22:25,826,414, plus strand): 5'-CTTGGCCCCAGGCAAGATCCCTAACCAAGAATGCTGATTCTGTCCTCTTTCCCAGGGCTC[A>G]AGATGACAGGAGTGGACTGTGTGGAGGGGATGGCCTCGGGCCTGTACCAGGAACTCTTTG-3'
Protein context (NP_115997.5, residues 891-911): LEDEETSSGL[Lys901Glu]MTGVDCVEGM

ClinVar aggregate classification (germline): Uncertain significance (1 of 4 stars; one submission).

Conditions:
Klippel-Feil anomaly-myopathy-facial dysmorphism syndrome. Also called: Klippel-feil syndrome 4, autosomal recessive, with nemaline myopathy and facial dysmorphism; Klippel-Feil syndrome 4, autosomal recessive, with myopathy and facial dysmorphism. Identifiers: Orphanet 447974, MedGen C4225285, MONDO:0014689, OMIM 616549.

Allele frequency attached by ClinVar (database versions not stated): TOPMed 0.00001; gnomAD exomes 0.00001.
gnomAD v4.1: 3 of 1,610,944 alleles (0.00019%); highest among the groups gnomAD compares: Admixed American, 0.0051%; no homozygotes.

Submission:

Labcorp Genetics (formerly Invitae), Labcorp
Classification: Uncertain significance. Last evaluated: 2024-10-18. Review status: criteria provided, single submitter. Criteria: Invitae Variant Classification Sherloc (09022015). Collection method: clinical testing. Allele origin: germline.
Comment: This sequence change replaces lysine with glutamic acid at codon 901 of the MYO18B protein (p.Lys901Glu). The lysine residue is moderately conserved and there is a small physicochemical difference between lysine and glutamic acid. This variant is present in population databases (no rsID available, gnomAD 0.006%). This variant has not been reported in the literature in individuals affected with MYO18B-related conditions. ClinVar contains an entry for this variant (Variation ID: 1524050). An algorithm developed to predict the effect of missense changes on protein structure and function (PolyPhen-2) suggests that this variant is likely to be disruptive. In summary, the available evidence is currently insufficient to determine the role of this variant in disease. Therefore, it has been classified as a Variant of Uncertain Significance.